The following is an entry in ClinVar:

ClinVar aggregate classification (germline): Uncertain significance (1 of 4 stars; one submission).

gnomAD v4.1: 2 of 1,613,724 alleles (0.00012%); highest among the groups gnomAD compares: Admixed American, 0.0017%; no homozygotes.

Submission:

Labcorp Genetics (formerly Invitae), Labcorp
Classification: Uncertain significance. Last evaluated: 2023-12-02. Review status: criteria provided, single submitter. Criteria: Invitae Variant Classification Sherloc (09022015). Collection method: clinical testing. Allele origin: germline.
Comment: This sequence change replaces glutamic acid, which is acidic and polar, with glutamine, which is neutral and polar, at codon 1673 of the LAMB1 protein (p.Glu1673Gln). This variant is present in population databases (no rsID available, gnomAD 0.006%). This variant has not been reported in the literature in individuals affected with LAMB1-related conditions. An algorithm developed to predict the effect of missense changes on protein structure and function (PolyPhen-2) suggests that this variant is likely to be tolerated. In summary, the available evidence is currently insufficient to determine the role of this variant in disease. Therefore, it has been classified as a Variant of Uncertain Significance.

NM_002291.3(LAMB1):c.5017G>C (p.Glu1673Gln)

Gene: LAMB1 (laminin subunit beta 1; minus strand). Cytogenetic location: 7q31.1.
Variant type: single nucleotide variant.
Coding change: c.5017G>C on transcript NM_002291.3 (MANE Select); coding-DNA position 5017, G replaced by C.
Protein change: p.Glu1673Gln; replaces glutamic acid 1673 with glutamine.
Molecular consequence: missense variant.
Genome position (GRCh38, 1-based): chr7:107,926,230, C>G on the plus strand (G>C on the coding strand, the complement: LAMB1 is on the minus strand). VCF-style: chr7-107926230-C-G. GRCh37 (hg19) VCF-style: chr7-107566675-C-G.
Other names: short protein forms E1673Q.
Identifiers: ClinVar variation 3011550 (VCV003011550.3), dbSNP rs751630523, ClinGen allele CA368860861.